The following is an entry in ClinVar:

ClinVar aggregate classification (germline): Benign. Review status: criteria provided, multiple submitters, no conflicts (2 of 4 stars). 14 submissions from 13 submitters: Benign (10). 4 of the submissions do not count toward it. Last evaluated 2026-02-04.

Conditions:
Niemann-Pick disease, type B. Also called: Chronic Visceral ASMD (Niemann-Pick Disease Type B; NPD-B). Identifiers: Orphanet 77293, MedGen C0268243, MONDO:0011871, OMIM 607616. Disease mechanism: loss of function.
Niemann-Pick disease, type A. Also called: SPHINGOMYELIN LIPIDOSIS; SPHINGOMYELINASE DEFICIENCY; Infantile Neurovisceral ASMD (Niemann-Pick Disease Type A; NPD-A). Identifiers: Orphanet 77292, MedGen C0268242, MONDO:0009756, OMIM 257200. Disease mechanism: loss of function.

Allele frequency attached by ClinVar (database versions not stated): gnomAD exomes 0.12354 and 0.13989; 1000 Genomes Project 0.12819; 1000 Genomes Project 30x 0.12836; ExAC 0.13103; TOPMed 0.14265; gnomAD 0.15081 and 0.15083; ESP Exome Variant Server 0.15129.
gnomAD v4.1: 219,979 of 1,561,480 alleles (14%); highest among the groups gnomAD compares: African/African-American, 20%; 16,070 homozygotes.

Submissions (14):

Labcorp Genetics (formerly Invitae), Labcorp
Classification: Benign for Niemann-Pick disease, type B; Niemann-Pick disease, type A. Last evaluated: 2026-02-04. Review status: criteria provided, single submitter. Criteria: Invitae Variant Classification Sherloc (09022015). Collection method: clinical testing. Allele origin: germline.

Blueprint Genetics
Classification: Benign. Last evaluated: 2024-11-27. Review status: criteria provided, single submitter. Criteria: ACMG Guidelines, 2015. Collection method: clinical testing. Allele origin: germline.

Genome-Nilou Lab
Classification: Benign for Niemann-Pick disease, type A. Last evaluated: 2021-07-01. Review status: criteria provided, single submitter. Criteria: ACMG Guidelines, 2015. Collection method: clinical testing. Allele origin: germline. Affected: no.

Genome-Nilou Lab
Classification: Benign for Niemann-Pick disease, type B. Last evaluated: 2021-07-01. Review status: criteria provided, single submitter. Criteria: ACMG Guidelines, 2015. Collection method: clinical testing. Allele origin: germline. Affected: no.

Illumina Laboratory Services, Illumina
Classification: Benign for Niemann-Pick disease, type A. Last evaluated: 2018-01-13. Review status: criteria provided, single submitter. Criteria: ICSL Variant Classification Criteria 13 December 2019. Collection method: clinical testing. Allele origin: germline.
Comment: This variant was observed in the ICSL laboratory as part of a predisposition screen in an ostensibly healthy population. It had not been previously curated by ICSL or reported in the Human Gene Mutation Database (HGMD: prior to June 1st, 2018), and was therefore a candidate for classification through an automated scoring system. Utilizing variant allele frequency, disease prevalence and penetrance estimates, and inheritance mode, an automated score was calculated to assess if this variant is too frequent to cause the disease. Based on the score and internal cut-off values, a variant classified as benign is not then subjected to further curation. The score for this variant resulted in a classification of benign for this disease.

Women's Health and Genetics/Laboratory Corporation of America, LabCorp
Classification: Benign. Last evaluated: 2016-08-10. Review status: criteria provided, single submitter. Criteria: LabCorp Variant Classification Summary - May 2015. Collection method: clinical testing. Allele origin: germline.
Comment: Variant summary: The SMPD1 c.636T>C (p.Asp212Asp) variant causes a synonymous change involving a non-conserved nucleotide with 5/5 splice prediction tools predicting no significant impact on splicing and no alterations to ESE binding sites. The variant of interest was observed in the large, broad control population, ExAC, with an allele frequency of 14999/114470 (1/7, 1169 homozygotes), which significantly exceeds the estimated maximal expected allele frequency for a pathogenic SMPD1 variant 1/447, suggesting this variant is likely a benign polymorphism. A reputable clinical laboratory cites the variant as "benign." Therefore, the variant of interest has been classified as Benign.

Eurofins Ntd Llc (ga)
Classification: Benign. Last evaluated: 2016-01-12. Review status: criteria provided, single submitter. Criteria: EGL Classification Definitions 2015. Collection method: clinical testing. Allele origin: germline. Observed: 66 variant alleles, 55 heterozygotes, 11 homozygotes.

GeneDx
Classification: Benign. Last evaluated: 2015-03-03. Review status: criteria provided, single submitter. Criteria: GeneDx Variant Classification Process June 2021. Collection method: clinical testing. Allele origin: germline. Affected: yes.

Breakthrough Genomics
Classification: Benign. Review status: criteria provided, single submitter. Criteria: ACMG Guidelines, 2015. Collection method: not provided. Allele origin: germline. Inheritance: Autosomal recessive inheritance. Affected: yes.

PreventionGenetics, part of Exact Sciences
Classification: Benign. Review status: criteria provided, single submitter. Criteria: ACMG Guidelines, 2015. Collection method: clinical testing. Allele origin: germline.

Natera, Inc.
Classification: Benign for Niemann-Pick Disease, Types A/B. Last evaluated: 2017-05-06. Review status: no assertion criteria provided. Collection method: clinical testing. Allele origin: germline. Not counted in ClinVar's aggregate classification.

Mayo Clinic Laboratories, Mayo Clinic
Classification: Benign. Last evaluated: 2015-10-23. Review status: no assertion criteria provided. Collection method: clinical testing. Allele origin: unknown. Not counted in ClinVar's aggregate classification.

Diagnostic Laboratory, Department of Genetics, University Medical Center Groningen
Classification: Benign. Review status: no assertion criteria provided. Collection method: clinical testing. Allele origin: germline. Affected: yes. Study: VKGL Data-share Consensus. Not counted in ClinVar's aggregate classification.

Joint Genome Diagnostic Labs from Nijmegen and Maastricht, Radboudumc and MUMC+
Classification: Benign. Review status: no assertion criteria provided. Collection method: clinical testing. Allele origin: germline. Affected: yes. Study: VKGL Data-share Consensus. Not counted in ClinVar's aggregate classification.

NM_000543.5(SMPD1):c.636T>C (p.Asp212=)

Gene: SMPD1 (sphingomyelin phosphodiesterase 1; plus strand). Cytogenetic location: 11p15.4.
Variant type: single nucleotide variant.
Coding change: c.636T>C on transcript NM_000543.5 (MANE Select); coding-DNA position 636, T replaced by C.
Protein change: p.Asp212=; no amino-acid change (aspartic acid 212 retained).
Molecular consequence: synonymous variant. On other transcripts: 5 prime UTR variant (1), non-coding transcript variant (1).
Genome position (GRCh38, 1-based): chr11:6,391,701, T>C. VCF-style: chr11-6391701-T-C. GRCh37 (hg19) VCF-style: chr11-6412931-T-C.
Other names: c.633T>C, p.Asp211= (NM_001007593.3); c.636T>C, p.Asp212= (NM_001318087.2, NM_001365135.2); c.-326T>C (NM_001318088.2).
Identifiers: ClinVar variation 93319 (VCV000093319.33), dbSNP rs7951904, ClinGen allele CA146861.